The following is an entry in ClinVar:

NM_138576.4(BCL11B):c.1447T>G (p.Ser483Ala)

Gene: BCL11B (BCL11 transcription factor B; minus strand). Cytogenetic location: 14q32.2.
Variant type: single nucleotide variant.
Coding change: c.1447T>G on transcript NM_138576.4 (MANE Select); coding-DNA position 1447, T replaced by G.
Protein change: p.Ser483Ala; replaces serine 483 with alanine.
Molecular consequence: missense variant.
Genome position (GRCh38, 1-based): chr14:99,175,389, A>C on the plus strand (T>G on the coding strand, the complement: BCL11B is on the minus strand). VCF-style: chr14-99175389-A-C. GRCh37 (hg19) VCF-style: chr14-99641726-A-C.
Other names: c.1444T>G, p.Ser482Ala (NM_001282237.2); c.1231T>G, p.Ser411Ala (NM_001282238.2); c.1234T>G, p.Ser412Ala (NM_022898.3); short protein forms S411A, S412A, S482A, S483A.
Identifiers: ClinVar variation 1690949 (VCV001690949.2), dbSNP rs2139758852, ClinGen allele CA390935347.
Genomic context (GRCh38, chr14:99,175,389, plus strand): 5'-TGGTGCCGGGCTCGGGGGAGCTGGCGGCCGAGAGCCCGTCGTCGGAGCGGCCGGCCAGCG[A>C]GCCGGCCTTGTGCATGTGCGTCTTCATGTGGCGCTTGAGCTTGCTGGCCTGCGAGCACGC-3'
Protein context (NP_612808.1, residues 473-493): HMKTHMHKAG[Ser483Ala]LAGRSDDGLS

ClinVar aggregate classification (germline): Uncertain significance (1 of 4 stars; one submission).

Allele frequency attached by ClinVar (database versions not stated): gnomAD exomes below 0.00001.
gnomAD v4.1: 3 of 1,598,028 alleles (0.00019%); highest among the groups gnomAD compares: Non-Finnish European, 0.00026%; no homozygotes.

Submission:

Laboratorio de Genetica e Diagnostico Molecular, Hospital Israelita Albert Einstein
Classification: Uncertain significance. Last evaluated: 2020-11-04. Review status: criteria provided, single submitter. Criteria: ACMG Guidelines, 2015. Collection method: clinical testing. Allele origin: germline. Affected: yes.
Comment: ACMG classification criteria: PM2, PP2, BP4